The following is an entry in ClinVar:

ClinVar aggregate classification (germline): Uncertain significance (1 of 4 stars; one submission).

Conditions:
Retinoblastoma (RB1). Also called: RETINOBLASTOMA, SOMATIC. Identifiers: Orphanet 790, MedGen C0035335, MeSH D012175, MONDO:0008380, OMIM 180200, HP:0009919. Disease mechanism: loss of function. Inheritance: Both sporadic and heritable forms are tested..

Allele frequency attached by ClinVar (database versions not stated): ExAC 0.00001.

Submission:

Labcorp Genetics (formerly Invitae), Labcorp
Classification: Uncertain significance for Retinoblastoma. Last evaluated: 2022-10-05. Review status: criteria provided, single submitter. Criteria: Invitae Variant Classification Sherloc (09022015). Collection method: clinical testing. Allele origin: germline.
Comment: In summary, the available evidence is currently insufficient to determine the role of this variant in disease. Therefore, it has been classified as a Variant of Uncertain Significance. Advanced modeling of protein sequence and biophysical properties (such as structural, functional, and spatial information, amino acid conservation, physicochemical variation, residue mobility, and thermodynamic stability) performed at Invitae indicates that this missense variant is expected to disrupt RB1 protein function. This variant has not been reported in the literature in individuals affected with RB1-related conditions. This variant is present in population databases (rs768565766, gnomAD 0.007%). This sequence change replaces serine, which is neutral and polar, with proline, which is neutral and non-polar, at codon 318 of the RB1 protein (p.Ser318Pro).

NM_000321.3(RB1):c.952T>C (p.Ser318Pro)

Gene: RB1 (RB transcriptional corepressor 1; plus strand). Cytogenetic location: 13q14.2.
Variant type: single nucleotide variant.
Coding change: c.952T>C on transcript NM_000321.3 (MANE Select); coding-DNA position 952, T replaced by C.
Protein change: p.Ser318Pro; replaces serine 318 with proline.
Molecular consequence: missense variant.
Genome position (GRCh38, 1-based): chr13:48,367,506, T>C. VCF-style: chr13-48367506-T-C. GRCh37 (hg19) VCF-style: chr13-48941642-T-C.
Other names: c.952T>C, p.Ser318Pro (NM_001407165.1, NM_001407166.1); short protein forms S318P.
Identifiers: ClinVar variation 1720787 (VCV001720787.5), dbSNP rs768565766, ClinGen allele CA040053.
Genomic context (GRCh38, chr13:48,367,506, plus strand): 5'-ATGTAATGACATGTAAAGGATAATTGTCAGTGACTTTTTTCTTTCAAGGTTGAAAATCTT[T>C]CTAAACGATACGAAGAAATTTATCTTAAAAATAAAGATCTAGATGCAAGATTATTTTTGG-3'
Protein context (NP_000312.2, residues 308-328): SNGLPEVENL[Ser318Pro]KRYEEIYLKN